The following is an entry in ClinVar:

NM_000321.3(RB1):c.1310G>A (p.Gly437Asp)

Gene: RB1 (RB transcriptional corepressor 1; plus strand). Cytogenetic location: 13q14.2.
Variant type: single nucleotide variant.
Coding change: c.1310G>A on transcript NM_000321.3 (MANE Select); coding-DNA position 1310, G replaced by A.
Protein change: p.Gly437Asp; replaces glycine 437 with aspartic acid.
Molecular consequence: missense variant.
Genome position (GRCh38, 1-based): chr13:48,377,012, G>A. VCF-style: chr13-48377012-G-A. GRCh37 (hg19) VCF-style: chr13-48951148-G-A.
Other names: c.1310G>A, p.Gly437Asp (NM_001407165.1, NM_001407166.1); short protein forms G437D.
Identifiers: ClinVar variation 1769654 (VCV001769654.5), dbSNP rs1952832211, ClinGen allele CA388162146.
Genomic context (GRCh38, chr13:48,377,012, plus strand): 5'-AAAGAGTGAAGGATATAGGATACATCTTTAAAGAGAAATTTGCTAAAGCTGTGGGACAGG[G>A]TTGTGTCGAAATTGGATCACAGGTAACTTGAATTCATTGTAATTCGTGGTACTATAGAGT-3'
Protein context (NP_000312.2, residues 427-447): KEKFAKAVGQ[Gly437Asp]CVEIGSQRYK

ClinVar aggregate classification (germline): Uncertain significance. Review status: criteria provided, multiple submitters, no conflicts (2 of 4 stars). 2 submissions from 2 submitters: Uncertain significance (2). Last evaluated 2025-06-18.

Conditions:
Hereditary cancer-predisposing syndrome. Also called: Hereditary Cancer Syndrome; Hereditary neoplastic syndrome; Neoplastic Syndromes, Hereditary; Tumor predisposition. Identifiers: Orphanet 140162, MedGen C0027672, MeSH D009386, MONDO:0015356.
Retinoblastoma (RB1). Also called: RETINOBLASTOMA, SOMATIC. Identifiers: Orphanet 790, MedGen C0035335, MeSH D012175, MONDO:0008380, OMIM 180200, HP:0009919. Disease mechanism: loss of function. Inheritance: Both sporadic and heritable forms are tested..

Submissions (2):

Ambry Genetics
Classification: Uncertain significance for Hereditary cancer-predisposing syndrome. Last evaluated: 2025-06-18. Review status: criteria provided, single submitter. Criteria: Ambry Variant Classification Scheme 2023. Collection method: clinical testing. Allele origin: germline.
Comment: The p.G437D variant (also known as c.1310G>A), located in coding exon 13 of the RB1 gene, results from a G to A substitution at nucleotide position 1310. The glycine at codon 437 is replaced by aspartic acid, an amino acid with similar properties. This amino acid position is well conserved in available vertebrate species. In addition, the in silico prediction for this alteration is inconclusive. Based on the available evidence, the clinical significance of this variant remains unclear.

Labcorp Genetics (formerly Invitae), Labcorp
Classification: Uncertain significance for Retinoblastoma. Last evaluated: 2024-05-13. Review status: criteria provided, single submitter. Criteria: Invitae Variant Classification Sherloc (09022015). Collection method: clinical testing. Allele origin: germline.
Comment: This sequence change replaces glycine, which is neutral and non-polar, with aspartic acid, which is acidic and polar, at codon 437 of the RB1 protein (p.Gly437Asp). This variant is not present in population databases (gnomAD no frequency). This variant has not been reported in the literature in individuals affected with RB1-related conditions. ClinVar contains an entry for this variant (Variation ID: 1769654). Advanced modeling of protein sequence and biophysical properties (such as structural, functional, and spatial information, amino acid conservation, physicochemical variation, residue mobility, and thermodynamic stability) performed at Invitae indicates that this missense variant is not expected to disrupt RB1 protein function with a negative predictive value of 80%. In summary, the available evidence is currently insufficient to determine the role of this variant in disease. Therefore, it has been classified as a Variant of Uncertain Significance.